The following is an entry in ClinVar:

NM_004415.4(DSP):c.2626T>A (p.Phe876Ile)

Gene: DSP (desmoplakin; plus strand). Cytogenetic location: 6p24.3.
Variant type: single nucleotide variant.
Coding change: c.2626T>A on transcript NM_004415.4 (MANE Select); coding-DNA position 2626, T replaced by A.
Protein change: p.Phe876Ile; replaces phenylalanine 876 with isoleucine.
Molecular consequence: missense variant.
Genome position (GRCh38, 1-based): chr6:7,575,484, T>A. VCF-style: chr6-7575484-T-A. GRCh37 (hg19) VCF-style: chr6-7575717-T-A.
Other names: c.2626T>A, p.Phe876Ile (NM_001008844.3, NM_001319034.2); short protein forms F876I.
Identifiers: ClinVar variation 3075201 (VCV003075201.1), dbSNP rs2533909332, ClinGen allele CA362681753.

ClinVar aggregate classification (germline): Uncertain significance (1 of 4 stars; one submission).

Conditions:
Arrhythmogenic cardiomyopathy with wooly hair and keratoderma. Also called: PALMOPLANTAR KERATODERMA WITH LEFT VENTRICULAR CARDIOMYOPATHY AND WOOLLY HAIR; Carvajal syndrome; Dilated cardiomyopathy with woolly hair and keratoderma; Arrhythmogenic cardiomyopathy with woolly hair and keratoderma. Identifiers: Orphanet 65282, MedGen C1854063, MONDO:0011581, OMIM 605676.

Submission:

All of Us Research Program, National Institutes of Health
Classification: Uncertain significance for Arrhythmogenic cardiomyopathy with wooly hair and keratoderma. Last evaluated: 2023-12-18. Review status: criteria provided, single submitter. Criteria: ACMG Guidelines, 2015. Collection method: clinical testing. Allele origin: germline. Inheritance: Autosomal dominant inheritance. Observed: 1 variant allele, 1 heterozygote.
Comment: This missense variant replaces phenylalanine with isoleucine at codon 876 of the DSP protein. Computational prediction suggests that this variant may not impact protein structure and function (internally defined REVEL score threshold <= 0.5, PMID: 27666373). To our knowledge, functional studies have not been reported for this variant. This variant has not been reported in individuals affected with DSP-related disorders in the literature. This variant has not been identified in the general population by the Genome Aggregation Database (gnomAD). The available evidence is insufficient to determine the role of this variant in disease conclusively. Therefore, this variant is classified as a Variant of Uncertain Significance.

This study involves interpretation of variants in research participants for the purpose of population health screening. Participant phenotype was not available at the time of variant classification. Additional details can be found in publication PMID: 35346344, PMCID: PMC8962531